The following is an entry in ClinVar:

ClinVar aggregate classification (germline): Likely pathogenic. Review status: reviewed by expert panel (3 of 4 stars). 5 submissions from 5 submitters: Likely pathogenic (1). 4 of the submissions do not count toward it. Last evaluated 2026-10-05.
ClinVar aggregate classification (oncogenicity): Uncertain significance (1 of 4 stars; one submission).

Conditions:
RUNX1-related disorder. Also called: RUNX1-related condition.
Hereditary thrombocytopenia and hematologic cancer predisposition syndrome. Identifiers: Orphanet 71290, MedGen CN281654, MONDO:0011071.
Hereditary thrombocytopenia and hematological cancer predisposition syndrome associated with RUNX1. Also called: PLATELET DISORDER, ASPIRIN-LIKE; Familial Platelet Disorder with Propensity to Acute Myelogenous Leukemia; Familial thrombocytopenia with propensity to acute myelogenous leukemia; RUNX1 Familial Platelet Disorder with Associated Myeloid Malignancies. Identifiers: Orphanet 71290, MedGen C1832388, MeSH C563324, MONDO:0100083, OMIM 601399.
Thrombocytopenia. Identifiers: MedGen C0040034, MeSH D013921, MONDO:0002049, HP:0001873.
Abnormal bleeding. Also called: Bleeding diathesis. Identifiers: MedGen C1458140, HP:0001892.
Acute myeloid leukemia (AML). Also called: Leukemia, acute myeloid, somatic; Leukemia, acute myelogenous, somatic; Acute myeloid leukemia, adult; AML adult; Acute non-lymphocytic leukemia; Acute granulocytic leukemia. Identifiers: Orphanet 519, MedGen C0023467, MeSH D015470, MONDO:0018874, OMIM 601626, HP:0004808. Disease mechanism: Constitutively activated FLT3.

Submissions (6):

ClinGen Myeloid Malignancy Variant Curation Expert Panel
Classification: Likely pathogenic for Hereditary thrombocytopenia and hematologic cancer predisposition syndrome. Last evaluated: 2026-10-05. Review status: reviewed by expert panel. Criteria: ClinGen MyeloMalig ACMG Specifications V3.1. Collection method: curation. Allele origin: germline. Inheritance: Autosomal dominant inheritance.
Comment: NM_001754.4:c.593A>T (p.Asp198Val) is a missense variant which affects one of the hotspot residues (Asp198) within the RHD (amino acids 89-204; PM1_Strong). This variant has a REVEL score ≥ 0.88 (0.96) (PP3) and is completely absent from all population databases with at least 20x coverage for RUNX1 (PM2_Supporting). This variant has been reported in two probands meeting at least one of the RUNX1-phenotypic criteria (PS4_Moderate; PMID: 27479822). In summary, this variant meets the criteria to be classified as likely pathogenic. ACMG/AMP criteria applied, as specified by the Myeloid Malignancy Variant Curation Expert Panel for RUNX1: PM1_Strong, PP3, PM2_Supporting, PS4_Moderate.

Center for Virology of Infectious and Tropical Diseases (CVMIT), Mohammed V Military Teaching Hospital
Classification: Uncertain significance for Acute myeloid leukemia. Last evaluated: 2026-10-26. Review status: criteria provided, single submitter. Criteria: ClinGen/CGC/VICC Guidelines for Oncogenicity, 2022. Collection method: research. Allele origin: somatic. Affected: yes. Observed: 1 variant allele.
Comment: RUNX1 p.Asp198Val. Oncogenicity classified with the ClinGen/CGC/VICC SOP (Horak et al. 2022, PMID:35101336). Criteria applied: OM1: D198 (D171 in RUNX1b numbering) lies in the Runt homology domain, where missense variants abolish DNA binding and transactivation (PMID:10068652, PMID:11830488); concordant in silico predictions (CADD 29.8, AlphaMissense likely pathogenic 1.0, SIFT deleterious) (OP1); absent from gnomAD v4 (OP4). Total 4 points (Uncertain significance). ClinVar at analysis (release 2022-07-09, used by Ion Reporter): Variation ID 627342, Likely pathogenic (reviewed by expert panel). Current record: ClinVar VCV000627342.9 (consulted 2026-10-29): germline classification Likely pathogenic.

Labcorp Genetics (formerly Invitae), Labcorp
Classification: Uncertain significance for Hereditary thrombocytopenia and hematological cancer predisposition syndrome associated with RUNX1. Last evaluated: 2024-05-13. Review status: criteria provided, single submitter. Criteria: Invitae Variant Classification Sherloc (09022015). Collection method: clinical testing. Allele origin: germline. Not counted in ClinVar's aggregate classification.
Comment: This sequence change replaces aspartic acid, which is acidic and polar, with valine, which is neutral and non-polar, at codon 198 of the RUNX1 protein (p.Asp198Val). This variant is not present in population databases (gnomAD no frequency). This missense change has been observed in individual(s) with RUNX1 associated clinical features (PMID: 27479822, 31064749, 32208489). This variant is also known as c.512A>T, p.Asp171Val. ClinVar contains an entry for this variant (Variation ID: 627342). Advanced modeling of protein sequence and biophysical properties (such as structural, functional, and spatial information, amino acid conservation, physicochemical variation, residue mobility, and thermodynamic stability) has been performed at Invitae for this missense variant, however the output from this modeling did not meet the statistical confidence thresholds required to predict the impact of this variant on RUNX1 protein function. This variant disrupts the p.Asp198 amino acid residue in RUNX1. Other variant(s) that disrupt this residue have been determined to be pathogenic (PMID: 11675361; Invitae). This suggests that this residue is clinically significant, and that variants that disrupt this residue are likely to be disease-causing. In summary, the available evidence is currently insufficient to determine the role of this variant in disease. Therefore, it has been classified as a Variant of Uncertain Significance.

NIHR Bioresource Rare Diseases, University of Cambridge
Classification: Likely pathogenic for Thrombocytopenia. Last evaluated: 2019-02-01. Review status: criteria provided, single submitter. Criteria: ACMG Guidelines, 2015. Collection method: research. Allele origin: unknown. Affected: yes. Observed: 1 heterozygote. Study: ThromboGenomics. Not counted in ClinVar's aggregate classification.

PreventionGenetics, part of Exact Sciences
Classification: Pathogenic for RUNX1-related condition. Last evaluated: 2024-07-02. Review status: no assertion criteria provided. Collection method: clinical testing. Allele origin: germline. Not counted in ClinVar's aggregate classification.
Comment: The RUNX1 c.593A>T variant is predicted to result in the amino acid substitution p.Asp198Val. This variant has been reported in several individuals with inherited thrombocytopenia/platelet disorder (reported as p.Asp171Val in Johnson. 2016. PubMed ID: 27479822; Table 2, Almazni et al. 2020. PubMed ID: 32935436; Table S3, Downes et al. 2019. PubMed ID: 31064749; Brown et al. 2020. PubMed ID: 32208489). This variant has not been reported in a large population database, indicating this variant is rare. This variant is interpreted as pathogenic.

Birmingham Platelet Group; University of Birmingham
Classification: Likely pathogenic for Thrombocytopenia; Abnormal bleeding. Last evaluated: 2020-05-01. Review status: no assertion criteria provided. Collection method: research. Allele origin: germline. Affected: yes. Not counted in ClinVar's aggregate classification.

Literature cited by the submitters: PubMed 27479822 (cited by ClinGen Myeloid Malignancy Variant Curation Expert Panel and Labcorp Genetics (formerly Invitae), Labcorp); PubMed 17650443 (cited by ClinGen Myeloid Malignancy Variant Curation Expert Panel); PubMed 17485549 (cited by ClinGen Myeloid Malignancy Variant Curation Expert Panel); PubMed 10068652 (cited by Center for Virology of Infectious and Tropical Diseases (CVMIT), Mohammed V Military Teaching Hospital); PubMed 11830488 (cited by Center for Virology of Infectious and Tropical Diseases (CVMIT), Mohammed V Military Teaching Hospital); PubMed 31064749 (cited by Labcorp Genetics (formerly Invitae), Labcorp and NIHR Bioresource Rare Diseases, University of Cambridge); PubMed 32208489 (cited by Labcorp Genetics (formerly Invitae), Labcorp); PubMed 11675361 (cited by Labcorp Genetics (formerly Invitae), Labcorp).

NM_001754.5(RUNX1):c.593A>T (p.Asp198Val)

Genes: RUNX1 (RUNX family transcription factor 1; minus strand), RUNX1-AS1 (RUNX1 antisense RNA 1; plus strand). Cytogenetic location: 21q22.12.
Variant type: single nucleotide variant.
Coding change: c.593A>T on transcript NM_001754.5 (MANE Select); coding-DNA position 593, A replaced by T.
Protein change: p.Asp198Val; replaces aspartic acid 198 with valine.
Molecular consequence: missense variant.
Genome position (GRCh38, 1-based): chr21:34,859,494, T>A on the plus strand (A>T on the coding strand, the complement: RUNX1 is on the minus strand). VCF-style: chr21-34859494-T-A. GRCh37 (hg19) VCF-style: chr21-36231791-T-A.
Other names: NM_001754.5(RUNX1):c.593A>T; p.Asp198Val; c.512A>T, p.Asp171Val (NM_001001890.3, NM_001122607.2); short protein forms D198V, D171V.
Identifiers: ClinVar variation 627342 (VCV000627342.10), dbSNP rs1569061786, ClinGen allele CA410207972.